The following is an entry in ClinVar:

ClinVar aggregate classification (germline): Uncertain significance (1 of 4 stars; one submission).

Conditions:
Inborn genetic diseases. Identifiers: MedGen C0950123, MeSH D030342.

Submission:

Ambry Genetics
Classification: Uncertain significance for Inborn genetic diseases. Last evaluated: 2024-12-20. Review status: criteria provided, single submitter. Criteria: Ambry Variant Classification Scheme 2023. Collection method: clinical testing. Allele origin: germline.
Comment: The p.T250S variant (also known as c.748A>T), located in coding exon 7 of the CEP57 gene, results from an A to T substitution at nucleotide position 748. The threonine at codon 250 is replaced by serine, an amino acid with similar properties. This amino acid position is conserved. In addition, this alteration is predicted to be tolerated by in silico analysis. Based on the available evidence, the clinical significance of this variant remains unclear.

NM_014679.5(CEP57):c.748A>T (p.Thr250Ser)

Gene: CEP57 (centrosomal protein 57; plus strand). Cytogenetic location: 11q21.
Variant type: single nucleotide variant.
Coding change: c.748A>T on transcript NM_014679.5 (MANE Select); coding-DNA position 748, A replaced by T.
Protein change: p.Thr250Ser; replaces threonine 250 with serine.
Molecular consequence: missense variant.
Genome position (GRCh38, 1-based): chr11:95,821,919, A>T. VCF-style: chr11-95821919-A-T. GRCh37 (hg19) VCF-style: chr11-95555083-A-T.
Other names: c.721A>T, p.Thr241Ser (NM_001243776.2); c.748A>T, p.Thr250Ser (NM_001243777.2); c.667A>T, p.Thr223Ser (NM_001363604.2); short protein forms T241S, T223S, T250S.
Identifiers: ClinVar variation 3831943 (VCV003831943.1).